The following is an entry in ClinVar:

ClinVar aggregate classification (germline): Pathogenic/Likely pathogenic. Review status: criteria provided, multiple submitters, no conflicts (2 of 4 stars). 2 submissions from 2 submitters: Pathogenic (1); Likely pathogenic (1). Last evaluated 2025-01-19.

Conditions:
Intellectual developmental disorder with microcephaly and with or without ocular malformations or hypogonadotropic hypogonadism. Also called: Intellectual disability, autosomal dominant 27; Coffin-Siris Syndrome 9. Identifiers: Orphanet 1465, MedGen C4014528, MONDO:0014376, OMIM 615866.

Submissions (2):

GeneDx
Classification: Pathogenic. Last evaluated: 2025-01-19. Review status: criteria provided, single submitter. Criteria: GeneDx Variant Classification Process June 2021. Collection method: clinical testing. Allele origin: germline. Affected: yes.
Comment: Not observed at significant frequency in large population cohorts (gnomAD); In silico analysis supports that this missense variant has a deleterious effect on protein structure/function; This variant is associated with the following publications: (PMID: 35341651)

SIB Swiss Institute of Bioinformatics
Classification: Likely pathogenic for Intellectual developmental disorder with microcephaly and with or without ocular malformations or hypogonadotropic hypogonadism. Last evaluated: 2023-03-09. Review status: criteria provided, single submitter. Criteria: ACMG Guidelines, 2015. Collection method: curation. Allele origin: unknown.
Comment: This variant is interpreted as likely pathogenic for Intellectual developmental disorder with microcephaly and with or without ocular malformations or hypogonadotropic hypogonadism, autosomal dominant. The following ACMG Tag(s) were applied: Absent from controls (or at extremely low frequency if recessive) in Exome Sequencing Project, 1000 Genomes Project, or Exome Aggregation Consortium (PM2); De novo paternity and maternity not confirmed (PM6); Located in a mutational hot spot and/or critical and well-established functional domain (e.g., active site of an enzyme) without benign variation (PM1); Multiple lines of computational evidence support a deleterious effect on the gene or gene product (PP3).

Literature cited by the submitters: PubMed 35341651 (cited by SIB Swiss Institute of Bioinformatics).

NM_003108.4(SOX11):c.317G>C (p.Arg106Pro)

Gene: SOX11 (SRY-box transcription factor 11; plus strand). Cytogenetic location: 2p25.2.
Variant type: single nucleotide variant.
Coding change: c.317G>C on transcript NM_003108.4 (MANE Select); coding-DNA position 317, G replaced by C.
Protein change: p.Arg106Pro; replaces arginine 106 with proline.
Molecular consequence: missense variant.
Genome position (GRCh38, 1-based): chr2:5,693,038, G>C. VCF-style: chr2-5693038-G-C. GRCh37 (hg19) VCF-style: chr2-5833170-G-C.
Other names: c.317G>C (NM_003108.3); short protein forms R106P.
Identifiers: ClinVar variation 2443020 (VCV002443020.2), dbSNP rs2465087515, ClinGen allele CA345866442.
Genomic context (GRCh38, chr2:5,693,038, plus strand): 5'-GCTGGAAAATGCTGAAGGACAGCGAGAAGATCCCGTTCATCCGGGAGGCGGAGCGGCTGC[G>C]GCTCAAGCACATGGCCGACTACCCCGACTACAAGTACCGGCCCCGGAAAAAGCCCAAAAT-3'
Protein context (NP_003099.1, residues 96-116): IPFIREAERL[Arg106Pro]LKHMADYPDY